The following is an entry in ClinVar:

NM_000088.4(COL1A1):c.3601C>T (p.Leu1201=)

Gene: COL1A1 (collagen type I alpha 1 chain; minus strand). Cytogenetic location: 17q21.33.
Variant type: single nucleotide variant.
Coding change: c.3601C>T on transcript NM_000088.4 (MANE Select); coding-DNA position 3601, C replaced by T.
Protein change: p.Leu1201=; no amino-acid change (leucine 1201 retained).
Molecular consequence: synonymous variant.
Genome position (GRCh38, 1-based): chr17:50,186,853, G>A on the plus strand (C>T on the coding strand, the complement: COL1A1 is on the minus strand). VCF-style: chr17-50186853-G-A. GRCh37 (hg19) VCF-style: chr17-48264214-G-A.
Identifiers: ClinVar variation 1733106 (VCV001733106.3), dbSNP rs552379629, ClinGen allele CA8644389.

ClinVar aggregate classification (germline): Conflicting classifications of pathogenicity. Review status: criteria provided, conflicting classifications (1 of 4 stars). 2 submissions from 2 submitters: Uncertain significance (1); Likely benign (1). Last evaluated 2024-06-24.

Conditions:
Cardiovascular phenotype. Identifiers: MedGen CN230736.

Allele frequency attached by ClinVar (database versions not stated): gnomAD 0.00001; gnomAD exomes 0.00001; ExAC 0.00002; TOPMed 0.00002; 1000 Genomes Project 30x 0.00016; 1000 Genomes Project 0.00020.
gnomAD v4.1: 21 of 1,614,162 alleles (0.0013%); highest among the groups gnomAD compares: African/African-American, 0.004%; no homozygotes.

Submissions (2):

GeneDx
Classification: Uncertain significance. Last evaluated: 2024-06-24. Review status: criteria provided, single submitter. Criteria: GeneDx Variant Classification Process June 2021. Collection method: clinical testing. Allele origin: germline. Affected: yes.
Comment: Has not been previously published as pathogenic or benign to our knowledge; In silico analysis suggests this variant may impact gene splicing. In the absence of RNA/functional studies, the actual effect of this sequence change is unknown.

Ambry Genetics
Classification: Likely benign for Cardiovascular phenotype. Last evaluated: 2022-01-23. Review status: criteria provided, single submitter. Criteria: Ambry Variant Classification Scheme 2023. Collection method: clinical testing. Allele origin: germline.